The following is an entry in ClinVar:

ClinVar aggregate classification (germline): Uncertain significance. Review status: criteria provided, multiple submitters, no conflicts (2 of 4 stars). 2 submissions from 2 submitters: Uncertain significance (2). Last evaluated 2022-07-19.

Allele frequency attached by ClinVar (database versions not stated): gnomAD exomes below 0.00001; TOPMed below 0.00001; ExAC 0.00001; gnomAD 0.00001.
gnomAD v4.1: 3 of 1,614,090 alleles (0.00019%); highest among the groups gnomAD compares: African/African-American, 0.0027%; no homozygotes.

Submissions (2):

Labcorp Genetics (formerly Invitae), Labcorp
Classification: Uncertain significance. Last evaluated: 2022-07-19. Review status: criteria provided, single submitter. Criteria: Invitae Variant Classification Sherloc (09022015). Collection method: clinical testing. Allele origin: germline.
Comment: In summary, the available evidence is currently insufficient to determine the role of this variant in disease. Therefore, it has been classified as a Variant of Uncertain Significance. Advanced modeling of protein sequence and biophysical properties (such as structural, functional, and spatial information, amino acid conservation, physicochemical variation, residue mobility, and thermodynamic stability) performed at Invitae indicates that this missense variant is expected to disrupt GRM6 protein function. ClinVar contains an entry for this variant (Variation ID: 844236). This variant has not been reported in the literature in individuals affected with GRM6-related conditions. This variant is present in population databases (rs749470421, gnomAD 0.008%). This sequence change replaces leucine, which is neutral and non-polar, with phenylalanine, which is neutral and non-polar, at codon 761 of the GRM6 protein (p.Leu761Phe).

Blueprint Genetics
Classification: Uncertain significance. Last evaluated: 2022-03-29. Review status: criteria provided, single submitter. Criteria: ACMG Guidelines, 2015. Collection method: clinical testing. Allele origin: germline.

NM_000843.4(GRM6):c.2281C>T (p.Leu761Phe)

Genes: GRM6 (glutamate metabotropic receptor 6; minus strand), ZNF454 (zinc finger protein 454; plus strand). Cytogenetic location: 5q35.3.
Variant type: single nucleotide variant.
Coding change: c.2281C>T on transcript NM_000843.4 (MANE Select); coding-DNA position 2281, C replaced by T.
Protein change: p.Leu761Phe; replaces leucine 761 with phenylalanine.
Molecular consequence: missense variant.
Genome position (GRCh38, 1-based): chr5:178,983,065, G>A on the plus strand (C>T on the coding strand, the complement: GRM6 is on the minus strand). VCF-style: chr5-178983065-G-A. GRCh37 (hg19) VCF-style: chr5-178410066-G-A.
Other names: short protein forms L761F.
Identifiers: ClinVar variation 844236 (VCV000844236.10), dbSNP rs749470421, ClinGen allele CA3593577.
Genomic context (GRCh38, chr5:178,983,065, plus strand): 5'-CGTTGAAGGTCTCGGGCACGCCACGGGCCTTGATGGCGTACACTGTGCACGTGACCATGA[G>A]CAGGAGGCTGTAGCCCAGGCAGCCGATGAGAGACAGATCCGACATGTCGCACTTGAGCAC-3'
Protein context (NP_000834.2, residues 751-771): LIGCLGYSLL[Leu761Phe]MVTCTVYAIK